The following is an entry in ClinVar:

ClinVar aggregate classification (germline): Pathogenic. Review status: criteria provided, multiple submitters, no conflicts (2 of 4 stars). 2 submissions from 2 submitters: Pathogenic (2). Last evaluated 2025-07-31.

Conditions:
Recessive dystrophic epidermolysis bullosa (RDEB). Also called: severe generalized recessive dystrophic epidermolysis bullosa; EPIDERMOLYSIS BULLOSA DYSTROPHICA, GENERALIZED SEVERE, AUTOSOMAL RECESSIVE; Epidermolysis Bullosa Distrophica Autosomal Recessive (RDEB); DYSTROPHIC EPIDERMOLYSIS BULLOSA, AUTOSOMAL RECESSIVE; EPIDERMOLYSIS BULLOSA DYSTROPHICA, HALLOPEAU-SIEMENS TYPE; epidermolysis bullosa dystrophica, autosomal recessive. Identifiers: Orphanet 79408, Orphanet 79409, MedGen C0079474, MONDO:0009179, OMIM 226600.

Submissions (2):

Myriad Genetics, Inc.
Classification: Pathogenic for Recessive dystrophic epidermolysis bullosa. Last evaluated: 2025-07-31. Review status: criteria provided, single submitter. Criteria: Myriad Autosomal Dominant, Autosomal Recessive and X-Linked Classification Criteria (2023). Collection method: clinical testing. Allele origin: unknown.
Comment: NM_000094.3(COL7A1):c.8253_8254dupAG(V2752Efs*35) is expected to be pathogenic in the context of dystrophic epidermolysis bullosa. This variant is predicted to lead to an abnormal or absent protein product due to the creation of a premature termination codon in COL7A1, a gene where loss-of-function variants are known to be pathogenic. Please note: this variant was assessed in the context of healthy population screening.

Labcorp Genetics (formerly Invitae), Labcorp
Classification: Pathogenic. Last evaluated: 2019-11-04. Review status: criteria provided, single submitter. Criteria: Invitae Variant Classification Sherloc (09022015). Collection method: clinical testing. Allele origin: germline.
Comment: Loss-of-function variants in COL7A1 are known to be pathogenic (PMID: 16971478). This variant has been observed in individual(s) with dystrophic epidermolysis bullosa (PMID: 19681861). This variant is not present in population databases (ExAC no frequency). This sequence change creates a premature translational stop signal (p.Val2752Glufs*35) in the COL7A1 gene. It is expected to result in an absent or disrupted protein product. For these reasons, this variant has been classified as Pathogenic.

Literature cited by the submitters: PubMed 16971478 (cited by Labcorp Genetics (formerly Invitae), Labcorp); PubMed 19681861 (cited by Labcorp Genetics (formerly Invitae), Labcorp).

NM_000094.4(COL7A1):c.8253_8254dup (p.Val2752fs)

Gene: COL7A1 (collagen type VII alpha 1 chain; minus strand). Cytogenetic location: 3p21.31.
Variant type: Microsatellite.
Coding change: c.8253_8254dup on transcript NM_000094.4 (MANE Select); coding-DNA positions 8253 to 8254, 2 bases duplicated (AG; older notation c.8253_8254dupAG).
Protein change: p.Val2752fs; shifts the reading frame from valine 2752.
Molecular consequence: frameshift variant.
Genome position (GRCh38, 1-based): chr3:48,566,710-48,566,711, CT duplicated on the plus strand (AG on the coding strand, the reverse complement: COL7A1 is on the minus strand); duplicating any 2 consecutive bases within chr3:48,566,710-48,566,718 gives the same sequence; the c. name uses the placement nearest the transcript's 3' end. VCF-style (leftmost placement, unchanged base first): chr3-48566709-A-ACT. GRCh37 (hg19) VCF-style: chr3-48604142-A-ACT.
Other names: short protein forms V2752fs.
Identifiers: ClinVar variation 959943 (VCV000959943.8), dbSNP rs1363308991, ClinGen allele CA543045178.